The following is an entry in ClinVar:

NM_001042492.3(NF1):c.7189+1G>T

Gene: NF1 (neurofibromin 1; plus strand). Cytogenetic location: 17q11.2.
Variant type: single nucleotide variant.
Coding change: c.7189+1G>T on transcript NM_001042492.3 (MANE Select); the canonical splice donor site of the intron after coding-DNA position 7189, G replaced by T.
Molecular consequence: splice donor variant.
Genome position (GRCh38, 1-based): chr17:31,343,136, G>T. VCF-style: chr17-31343136-G-T. GRCh37 (hg19) VCF-style: chr17-29670154-G-T.
Other names: c.7126+1G>T (NM_000267.4).
Identifiers: ClinVar variation 972406 (VCV000972406.7), dbSNP rs1555535455, ClinGen allele CA399015795.
Genomic context (GRCh38, chr17:31,343,136, plus strand): 5'-TTGTTGGACTCAATTTCAACTCTAACTTTAACTTTGCATTGGTTGGACACCTTTTAAAAG[G>T]TAAAAAAGCCTTATTTAGAATATTTTTATGAAGTACTATTAAGAAACCAGAAGTAATTTG-3'

ClinVar aggregate classification (germline): Pathogenic (1 of 4 stars; one submission).

Conditions:
Neurofibromatosis, type 1 (NF1). Also called: VON RECKLINGHAUSEN DISEASE; NEUROFIBROMATOSIS, TYPE I, SOMATIC; Peripheral type neurofibromatosis; Neurofibromatosis, type I. Identifiers: Orphanet 636, MedGen C0027831, MONDO:0018975, OMIM 162200. Disease mechanism: loss of function.

Submission:

Labcorp Genetics (formerly Invitae), Labcorp
Classification: Pathogenic for Neurofibromatosis, type 1. Last evaluated: 2019-10-09. Review status: criteria provided, single submitter. Criteria: Invitae Variant Classification Sherloc (09022015). Collection method: clinical testing. Allele origin: germline.
Comment: For these reasons, this variant has been classified as Pathogenic. Donor and acceptor splice site variants typically lead to a loss of protein function (PMID: 16199547), and loss-of-function variants in NF1 are known to be pathogenic (PMID: 10712197, 23913538). Algorithms developed to predict the effect of sequence changes on RNA splicing suggest that this variant may disrupt the consensus splice site, but this prediction has not been confirmed by published transcriptional studies. Disruption of this splice site has been observed in several individuals affected with neurofibromatosis, type 1 (PMID: 23913538, Invitae). This variant is not present in population databases (ExAC no frequency). This sequence change affects a donor splice site in intron 47 of the NF1 gene. It is expected to disrupt RNA splicing and likely results in an absent or disrupted protein product.

Literature cited by the submitters: PubMed 16199547; PubMed 10712197; PubMed 23913538.